The following is an entry in ClinVar:

NM_001378454.1(ALMS1):c.2737A>G (p.Lys913Glu)

Gene: ALMS1 (ALMS1 centrosome and basal body associated protein; plus strand). Cytogenetic location: 2p13.1.
Variant type: single nucleotide variant.
Coding change: c.2737A>G on transcript NM_001378454.1 (MANE Select); coding-DNA position 2737, A replaced by G.
Protein change: p.Lys913Glu; replaces lysine 913 with glutamic acid.
Molecular consequence: missense variant.
Genome position (GRCh38, 1-based): chr2:73,449,264, A>G. VCF-style: chr2-73449264-A-G. GRCh37 (hg19) VCF-style: chr2-73676391-A-G.
Other names: c.2740A>G, p.Lys914Glu (NM_015120.4); short protein forms K913E, K914E.
Identifiers: ClinVar variation 1361117 (VCV001361117.4), dbSNP rs2103776357, ClinGen allele CA347271657.
Genomic context (GRCh38, chr2:73,449,264, plus strand): 5'-CCAGGTGATCAGAAGACTGGGATACCCTCAGCACCATCTAGTTTCTACTCACACAGAGAG[A>G]AGCCCATTATTTTTTCCCAGCAGACCCTGCCAGACTTTCTTTTCCCTGAAGAAGCTCTGA-3'
Protein context (NP_001365383.1, residues 903-923): APSSFYSHRE[Lys913Glu]PIIFSQQTLP

ClinVar aggregate classification (germline): Uncertain significance. Review status: criteria provided, single submitter (1 of 4 stars). 2 submissions from 2 submitters: Uncertain significance (1). 1 of the submissions does not count toward it. Last evaluated 2022-10-26.

Conditions:
ALMS1-related disorder. Also called: ALMS1-related condition.
Alstrom syndrome (ALMS). Identifiers: Orphanet 64, MedGen C0268425, MONDO:0008763, OMIM 203800.

Allele frequency attached by ClinVar (database versions not stated): gnomAD exomes below 0.00001.
gnomAD v4.1: 1 of 1,614,062 alleles (0.000062%); highest among the groups gnomAD compares: Non-Finnish European, 0.000085%; no homozygotes.

Submissions (2):

Labcorp Genetics (formerly Invitae), Labcorp
Classification: Uncertain significance for Alstrom syndrome. Last evaluated: 2022-10-26. Review status: criteria provided, single submitter. Criteria: Invitae Variant Classification Sherloc (09022015). Collection method: clinical testing. Allele origin: germline.
Comment: This sequence change replaces lysine, which is basic and polar, with glutamic acid, which is acidic and polar, at codon 914 of the ALMS1 protein (p.Lys914Glu). This variant is not present in population databases (gnomAD no frequency). This variant has not been reported in the literature in individuals affected with ALMS1-related conditions. ClinVar contains an entry for this variant (Variation ID: 1361117). Experimental studies and prediction algorithms are not available or were not evaluated, and the functional significance of this variant is currently unknown. In summary, the available evidence is currently insufficient to determine the role of this variant in disease. Therefore, it has been classified as a Variant of Uncertain Significance.

PreventionGenetics, part of Exact Sciences
Classification: Uncertain significance for ALMS1-related condition. Last evaluated: 2024-02-13. Review status: no assertion criteria provided. Collection method: clinical testing. Allele origin: germline. Not counted in ClinVar's aggregate classification.
Comment: The ALMS1 c.2740A>G variant is predicted to result in the amino acid substitution p.Ile914Val. To our knowledge, this variant has not been reported in the literature. This variant is reported in 0.0033% of alleles in individuals of South Asian descent in gnomAD. At this time, the clinical significance of this variant is uncertain due to the absence of conclusive functional and genetic evidence.